The following is an entry in ClinVar:

NM_007294.4(BRCA1):c.964del (p.Ala322fs)

Gene: BRCA1 (BRCA1 DNA repair associated; minus strand). Cytogenetic location: 17q21.31.
Variant type: Deletion.
Coding change: c.964del on transcript NM_007294.4 (MANE Select); coding-DNA position 964, one base deleted (G; older notation c.964delG).
Protein change: p.Ala322fs; shifts the reading frame from alanine 322.
Molecular consequence: frameshift variant. On other transcripts: intron variant (137).
Genome position (GRCh38, 1-based): chr17:43,094,567, C deleted on the plus strand (G on the coding strand, the reverse complement: BRCA1 is on the minus strand); the first of 3 consecutive C bases (chr17:43,094,567-43,094,569); deleting any one gives the same sequence. VCF-style (leftmost placement, unchanged base first): chr17-43094566-GC-G. GRCh37 (hg19) VCF-style: chr17-41246583-GC-G.
Other names: 1083delG; c.751del, p.Ala251fs (NM_001407571.1, NM_001407853.1, NM_001407894.1 and 9 more transcripts); c.964del, p.Ala322fs (NM_001407581.1, NM_001407582.1, NM_001407583.1 and 30 more transcripts); c.961del, p.Ala321fs (NM_001407587.1, NM_001407590.1, NM_001407591.1 and 22 more transcripts); c.955del, p.Ala319fs (NM_001407646.1, NM_001407647.1); c.841del, p.Ala281fs (NM_001407648.1, NM_001407664.1, NM_001407665.1 and 19 more transcripts); c.838del, p.Ala280fs (NM_001407649.1, NM_001407670.1, NM_001407671.1 and 11 more transcripts); c.886del, p.Ala296fs (NM_001407653.1, NM_001407654.1, NM_001407655.1 and 4 more transcripts); and 42 more; short protein forms A275fs, A322fs, A154fs, A194fs, A211fs, A233fs, A234fs, A251fs.
Identifiers: ClinVar variation 55768 (VCV000055768.16), dbSNP rs273903794, ClinGen allele CA003987.

ClinVar aggregate classification (germline): Pathogenic. Review status: reviewed by expert panel (3 of 4 stars). 8 submissions from 8 submitters: Pathogenic (1). 7 of the submissions do not count toward it. Last evaluated 2016-09-08.

Conditions:
Hereditary cancer-predisposing syndrome. Also called: Hereditary Cancer Syndrome; Hereditary neoplastic syndrome; Neoplastic Syndromes, Hereditary; Tumor predisposition. Identifiers: Orphanet 140162, MedGen C0027672, MeSH D009386, MONDO:0015356.
Breast-ovarian cancer, familial, susceptibility to, 1 (BROVCA1). Also called: BRCA1 Hereditary Breast and Ovarian Cancer; OVARIAN CANCER, SUSCEPTIBILITY TO. Identifiers: Orphanet 145, MedGen C2676676, MONDO:0011450, OMIM 604370. Disease mechanism: loss of function.
Hereditary breast ovarian cancer syndrome. Also called: BRCA1- and BRCA2-Associated Hereditary Breast and Ovarian Cancer; Hereditary breast and ovarian cancer syndrome; Hereditary breast and ovarian cancer syndrome (HBOC); Breast and ovarian cancer; Hereditary breast and/or ovarian cancer syndrome; Hereditary breast and ovarian cancer. Identifiers: Orphanet 145, MedGen C0677776, MeSH D061325, MONDO:0003582. Disease mechanism: loss of function.

Submissions (8):

Evidence-based Network for the Interpretation of Germline Mutant Alleles (ENIGMA)
Classification: Pathogenic for Breast-ovarian cancer, familial, susceptibility to, 1. Last evaluated: 2016-09-08. Review status: reviewed by expert panel. Criteria: ENIGMA BRCA1/2 Classification Criteria (2015). Collection method: curation. Allele origin: germline.
Comment: Variant allele predicted to encode a truncated non-functional protein.

Labcorp Genetics (formerly Invitae), Labcorp
Classification: Pathogenic for Hereditary breast ovarian cancer syndrome. Last evaluated: 2025-10-27. Review status: criteria provided, single submitter. Criteria: Invitae Variant Classification Sherloc (09022015). Collection method: clinical testing. Allele origin: germline. Not counted in ClinVar's aggregate classification.
Comment: This sequence change creates a premature translational stop signal (p.Ala322Leufs*19) in the BRCA1 gene. It is expected to result in an absent or disrupted protein product. Loss-of-function variants in BRCA1 are known to be pathogenic (PMID: 20104584). This variant is not present in population databases (gnomAD no frequency). This variant has not been reported in the literature in individuals affected with BRCA1-related conditions. This variant is also known as 1083delG. ClinVar contains an entry for this variant (Variation ID: 55768). For these reasons, this variant has been classified as Pathogenic.

Department of Human Genetics, Hannover Medical School
Classification: Pathogenic for Breast-ovarian cancer, familial, susceptibility to, 1. Last evaluated: 2024-07-04. Review status: criteria provided, single submitter. Criteria: ACMG Guidelines, 2015. Collection method: clinical testing. Allele origin: germline. Inheritance: Autosomal dominant inheritance. Affected: yes. Not counted in ClinVar's aggregate classification.

Ambry Genetics
Classification: Pathogenic for Hereditary cancer-predisposing syndrome. Last evaluated: 2023-03-02. Review status: criteria provided, single submitter. Criteria: Ambry Variant Classification Scheme 2023. Collection method: clinical testing. Allele origin: germline. Not counted in ClinVar's aggregate classification.
Comment: The c.964delG pathogenic mutation, located in coding exon 9 of the BRCA1 gene, results from a deletion of one nucleotide at nucleotide position 964, causing a translational frameshift with a predicted alternate stop codon (p.A322Lfs*19). This alteration was identified in an individual diagnosed with ovarian cancer (Smith SA et al. Gynecol Oncol, 2001 Dec;83:586-92). Of note, this alteration is also known as 1083delG in published literature. This variant is considered to be rare based on population cohorts in the Genome Aggregation Database (gnomAD). In addition to the clinical data presented in the literature, this alteration is expected to result in loss of function by premature protein truncation or nonsense-mediated mRNA decay. As such, this alteration is interpreted as a disease-causing mutation.

GeneDx
Classification: Pathogenic. Last evaluated: 2018-02-21. Review status: criteria provided, single submitter. Criteria: GeneDx Variant Classification (06012015). Collection method: clinical testing. Allele origin: germline. Affected: yes. Not counted in ClinVar's aggregate classification.
Comment: This deletion of one nucleotide in BRCA1 is denoted c.964delG at the cDNA level and p.Ala322LeufsX19 (A322LfsX19) at the protein level. Using alternate nomenclature, this variant would be defined as BRCA1 1083delG. The normal sequence, with the base that is deleted in brackets, is ATGG[delG]CTGG. The deletion causes a frameshift which changes an Alanine to a Leucine at codon 322, and creates a premature stop codon at position 19 of the new reading frame. This variant is predicted to cause loss of normal protein function through either protein truncation or nonsense-mediated mRNA decay. BRCA1 c.964delG has been observed in individuals with breast and/or ovarian cancer (Smith 2001, Kwong 2016a, Kwong 2016b). We consider this variant to be pathogenic.

Consortium of Investigators of Modifiers of BRCA1/2 (CIMBA), c/o University of Cambridge
Classification: Pathogenic for Breast-ovarian cancer, familial, susceptibility to, 1. Last evaluated: 2015-10-02. Review status: criteria provided, single submitter. Criteria: CIMBA Mutation Classification guidelines May 2016. Collection method: clinical testing. Allele origin: germline. Not counted in ClinVar's aggregate classification.

Breast Cancer Information Core (BIC) (BRCA1)
Classification: Pathogenic for Breast-ovarian cancer, familial 1. Last evaluated: 2010-09-18. Review status: no assertion criteria provided. Collection method: clinical testing. Allele origin: germline. Affected: yes. Observed: 1 variant allele. Not counted in ClinVar's aggregate classification.

Sharing Clinical Reports Project (SCRP)
Classification: Pathogenic for Breast-ovarian cancer, familial 1. Last evaluated: 2008-07-25. Review status: no assertion criteria provided. Collection method: clinical testing. Allele origin: germline. Not counted in ClinVar's aggregate classification.

Literature cited by the submitters: PubMed 20104584 (cited by Labcorp Genetics (formerly Invitae), Labcorp); PubMed 11733976 (cited by Ambry Genetics).